The following is an entry in ClinVar:

ClinVar aggregate classification (germline): Uncertain significance. Review status: criteria provided, multiple submitters, no conflicts (2 of 4 stars). 3 submissions from 3 submitters: Uncertain significance (3). Last evaluated 2024-04-19.

Conditions:
Congenital lactic acidosis, Saguenay-Lac-Saint-Jean type (MC4DN5). Also called: CYTOCHROME c OXIDASE DEFICIENCY, FRENCH CANADIAN TYPE; COX DEFICIENCY, FRENCH CANADIAN TYPE; MITOCHONDRIAL COMPLEX IV DEFICIENCY, NUCLEAR TYPE 5. Identifiers: Orphanet 70472, MedGen C1857355, MONDO:0009069, OMIM 220111.

Allele frequency attached by ClinVar (database versions not stated): gnomAD 0.00001; TOPMed 0.00001; gnomAD exomes 0.00004; ExAC 0.00011; 1000 Genomes Project 30x 0.00016; 1000 Genomes Project 0.00020.

Submissions (3):

GeneDx
Classification: Uncertain significance. Last evaluated: 2024-04-19. Review status: criteria provided, single submitter. Criteria: GeneDx Variant Classification Process June 2021. Collection method: clinical testing. Allele origin: germline. Affected: yes.
Comment: In silico analysis supports that this missense variant does not alter protein structure/function; Has not been previously published as pathogenic or benign to our knowledge

Blueprint Genetics
Classification: Uncertain significance. Last evaluated: 2024-02-12. Review status: criteria provided, single submitter. Criteria: ACMG Guidelines, 2015. Collection method: clinical testing. Allele origin: germline.

Revvity Omics, Revvity
Classification: Uncertain significance for Congenital lactic acidosis, Saguenay-Lac-Saint-Jean type. Last evaluated: 2023-11-01. Review status: criteria provided, single submitter. Criteria: ACMG Guidelines, 2015. Collection method: clinical testing. Allele origin: germline.

NM_133259.4(LRPPRC):c.3529A>C (p.Met1177Leu)

Gene: LRPPRC (leucine rich pentatricopeptide repeat containing; minus strand). Cytogenetic location: 2p21.
Variant type: single nucleotide variant.
Coding change: c.3529A>C on transcript NM_133259.4 (MANE Select); coding-DNA position 3529, A replaced by C.
Protein change: p.Met1177Leu; replaces methionine 1177 with leucine.
Molecular consequence: missense variant.
Genome position (GRCh38, 1-based): chr2:43,901,360, T>G on the plus strand (A>C on the coding strand, the complement: LRPPRC is on the minus strand). VCF-style: chr2-43901360-T-G. GRCh37 (hg19) VCF-style: chr2-44128499-T-G.
Other names: c.3529A>C (NM_133259.3); short protein forms M1177L.
Identifiers: ClinVar variation 2689382 (VCV002689382.4), dbSNP rs564191181, ClinGen allele CA1638046.